The following is an entry in ClinVar:

ClinVar aggregate classification (germline): Uncertain significance (1 of 4 stars; one submission).

Conditions:
Developmental and epileptic encephalopathy, 36 (DEE36). Also called: ALG13-CDG; Epileptic encephalopathy, early infantile, 36; Congenital disorder of glycosylation, type Is. Identifiers: Orphanet 324422, MedGen C4317295, MONDO:0010472, OMIM 300884.

Submission:

Labcorp Genetics (formerly Invitae), Labcorp
Classification: Uncertain significance for Developmental and epileptic encephalopathy, 36. Last evaluated: 2025-06-05. Review status: criteria provided, single submitter. Criteria: Invitae Variant Classification Sherloc (09022015). Collection method: clinical testing. Allele origin: germline.
Comment: This sequence change replaces serine, which is neutral and polar, with tyrosine, which is neutral and polar, at codon 904 of the ALG13 protein (p.Ser904Tyr). This variant is not present in population databases (gnomAD no frequency). This variant has not been reported in the literature in individuals affected with ALG13-related conditions. Invitae Evidence Modeling of protein sequence and biophysical properties (such as structural, functional, and spatial information, amino acid conservation, physicochemical variation, residue mobility, and thermodynamic stability) indicates that this missense variant is not expected to disrupt ALG13 protein function with a negative predictive value of 95%. In summary, the available evidence is currently insufficient to determine the role of this variant in disease. Therefore, it has been classified as a Variant of Uncertain Significance.

NM_001099922.3(ALG13):c.2711C>A (p.Ser904Tyr)

Gene: ALG13 (ALG13 UDP-N-acetylglucosaminyltransferase subunit; plus strand). Cytogenetic location: Xq23.
Variant type: single nucleotide variant.
Coding change: c.2711C>A on transcript NM_001099922.3 (MANE Select); coding-DNA position 2711, C replaced by A.
Protein change: p.Ser904Tyr; replaces serine 904 with tyrosine.
Molecular consequence: missense variant. On other transcripts: intron variant (5).
Genome position (GRCh38, 1-based): chrX:111,744,683, C>A. VCF-style: chrX-111744683-C-A. GRCh37 (hg19) VCF-style: chrX-110987911-C-A.
Other names: c.2477C>A, p.Ser826Tyr (NM_001257231.2); c.2383+7804C>A (NM_001257237.2, NM_001257234.2, NM_001257230.2); c.2209+7804C>A (NM_001324293.1); c.2695+7804C>A (NM_001324292.2); short protein forms S826Y, S904Y.
Identifiers: ClinVar variation 4747436 (VCV004747436.1).